The following is an entry in ClinVar:

ClinVar aggregate classification (germline): Uncertain significance (1 of 4 stars; one submission).

Conditions:
Charcot-Marie-Tooth disease X-linked dominant 6. Also called: CHARCOT-MARIE-TOOTH NEUROPATHY, X-LINKED DOMINANT, 6. Identifiers: Orphanet 352675, MedGen C3806702, MONDO:0010479, OMIM 300905.

Submission:

Centre for Mendelian Genomics, University Medical Centre Ljubljana
Classification: Uncertain significance for Charcot-Marie-Tooth disease X-linked dominant 6. Last evaluated: 2018-10-29. Review status: criteria provided, single submitter. Criteria: ACMG Guidelines, 2015. Collection method: clinical testing. Allele origin: unknown. Affected: yes.
Comment: This variant was classified as: Uncertain significance. The available evidence on this variant's pathogenicity is insufficient or conflicting. The following ACMG criteria were applied in classifying this variant: PM2.

NM_005391.5(PDK3):c.106+14_106+15dup

Gene: PDK3 (pyruvate dehydrogenase kinase 3; plus strand). Cytogenetic location: Xp22.11.
Variant type: Duplication.
Coding change: c.106+14_106+15dup on transcript NM_005391.5 (MANE Select); bases 14 to 15 of the intron after coding-DNA position 106, 2 bases duplicated (CA; older notation c.106+14_106+15dupCA).
Molecular consequence: intron variant.
Genome position (GRCh38, 1-based): chrX:24,465,575-24,465,576, CA duplicated. VCF-style (leftmost placement, unchanged base first): chrX-24465574-C-CCA. GRCh37 (hg19) VCF-style: chrX-24483691-C-CCA.
Other names: c.106+14_106+15dup (NM_001142386.3).
Identifiers: ClinVar variation 931226 (VCV000931226.3), dbSNP rs1940055207, ClinGen allele CA1139667308.